The following is an entry in ClinVar:

ClinVar aggregate classification (germline): Uncertain significance (1 of 4 stars; one submission).

gnomAD v4.1: 5 of 1,612,978 alleles (0.00031%); highest among the groups gnomAD compares: South Asian, 0.0011%; no homozygotes.

Submission:

Women's Health and Genetics/Laboratory Corporation of America, LabCorp
Classification: Uncertain significance. Last evaluated: 2026-06-01. Review status: criteria provided, single submitter. Criteria: LabCorp Variant Classification Summary - May 2015. Collection method: clinical testing. Allele origin: germline.
Comment: Variant summary: CPS1 c.31G>A (p.Val11Met) results in a conservative amino acid change in the encoded protein sequence. Algorithms developed to predict the effect of missense changes on protein structure and function are either unavailable or do not agree on the potential impact of this missense change. The variant allele was found at a frequency of 1.6e-05 in 251034 control chromosomes. The available data on variant occurrences in the general population are insufficient to allow any conclusion about variant significance. To our knowledge, no occurrence of c.31G>A in individuals affected with CPS1-related conditions and no experimental evidence demonstrating its impact on protein function have been reported. No submitters have cited clinical-significance assessments for this variant to ClinVar. Based on the evidence outlined above, the variant was classified as uncertain significance.

NM_001875.5(CPS1):c.31G>A (p.Val11Met)

Gene: CPS1 (carbamoyl-phosphate synthase 1; plus strand). Cytogenetic location: 2q34.
Variant type: single nucleotide variant.
Coding change: c.31G>A on transcript NM_001875.5 (MANE Select); coding-DNA position 31, G replaced by A.
Protein change: p.Val11Met; replaces valine 11 with methionine.
Molecular consequence: missense variant. On other transcripts: non-coding transcript variant (1).
Genome position (GRCh38, 1-based): chr2:210,556,764, G>A. VCF-style: chr2-210556764-G-A. GRCh37 (hg19) VCF-style: chr2-211421488-G-A.
Other names: c.31G>A, p.Val11Met (NM_001122633.3, NM_001369257.1); c.64G>A, p.Val22Met (NM_001369256.1); short protein forms V11M, V22M.
Identifiers: ClinVar variation 4887595 (VCV004887595.1).